The following is an entry in ClinVar:

NM_181523.3(PIK3R1):c.2098C>T (p.His700Tyr)

Gene: PIK3R1 (phosphoinositide-3-kinase regulatory subunit 1; plus strand). Cytogenetic location: 5q13.1.
Variant type: single nucleotide variant.
Coding change: c.2098C>T on transcript NM_181523.3 (MANE Select); coding-DNA position 2098, C replaced by T.
Protein change: p.His700Tyr; replaces histidine 700 with tyrosine.
Molecular consequence: missense variant.
Genome position (GRCh38, 1-based): chr5:68,297,524, C>T. VCF-style: chr5-68297524-C-T. GRCh37 (hg19) VCF-style: chr5-67593352-C-T.
Other names: c.1009C>T, p.His337Tyr (NM_001242466.2); c.1288C>T, p.His430Tyr (NM_181504.4); c.1198C>T, p.His400Tyr (NM_181524.2); short protein forms H337Y, H430Y, H400Y, H700Y.
Identifiers: ClinVar variation 4782799 (VCV004782799.1).

ClinVar aggregate classification (germline): Uncertain significance (1 of 4 stars; one submission).

Conditions:
Agammaglobulinemia 7, autosomal recessive (AGM7). Also called: AGAMMAGLOBULINEMIA, AUTOSOMAL RECESSIVE, DUE TO PIK3R1 DEFECT. Identifiers: MedGen C3554689, MONDO:0014083, OMIM 615214.
SHORT syndrome. Also called: SHORT STATURE, HYPEREXTENSIBILITY, HERNIA, OCULAR DEPRESSION, RIEGER ANOMALY, AND TEETHING DELAY; LIPODYSTROPHY, PARTIAL, WITH RIEGER ANOMALY AND SHORT STATURE; PIK3R1-Related SHORT Syndrome. Identifiers: Orphanet 3163, MedGen C0878684, MONDO:0010026, OMIM 269880.
Immunodeficiency 36 with lymphoproliferation. Also called: Immunodeficiency 36; Activated PI3K Delta Syndrome Type 2 (APDS2); ACTIVATED PI3K-DELTA SYNDROME 2. Identifiers: Orphanet 397596, Orphanet 693681, MedGen C4014934, MONDO:0014453, OMIM 616005.

gnomAD v4.1: 2 of 1,614,072 alleles (0.00012%); highest among the groups gnomAD compares: Non-Finnish European, 0.00017%; no homozygotes.

Submission:

Labcorp Genetics (formerly Invitae), Labcorp
Classification: Uncertain significance for SHORT syndrome; Immunodeficiency 36 with lymphoproliferation; Agammaglobulinemia 7, autosomal recessive. Last evaluated: 2025-04-11. Review status: criteria provided, single submitter. Criteria: Invitae Variant Classification Sherloc (09022015). Collection method: clinical testing. Allele origin: germline.
Comment: This sequence change replaces histidine, which is basic and polar, with tyrosine, which is neutral and polar, at codon 700 of the PIK3R1 protein (p.His700Tyr). This variant is not present in population databases (gnomAD no frequency). This variant has not been reported in the literature in individuals affected with PIK3R1-related conditions. Invitae Evidence Modeling of protein sequence and biophysical properties (such as structural, functional, and spatial information, amino acid conservation, physicochemical variation, residue mobility, and thermodynamic stability) indicates that this missense variant is not expected to disrupt PIK3R1 protein function with a negative predictive value of 80%. In summary, the available evidence is currently insufficient to determine the role of this variant in disease. Therefore, it has been classified as a Variant of Uncertain Significance.